The following is an entry in ClinVar:

NM_003106.4(SOX2):c.67_89del (p.Gly23fs)

Genes: SOX2 (SRY-box transcription factor 2; plus strand), SOX2-OT (SOX2 overlapping transcript; plus strand), LOC108281177 (SOX2 5' regulatory region; plus strand). Cytogenetic location: 3q26.33.
Variant type: Deletion.
Coding change: c.67_89del on transcript NM_003106.4 (MANE Select); coding-DNA positions 67 to 89, 23 bases deleted (GGCAACTCCACCGCGGCGGCGGC).
Protein change: p.Gly23fs; shifts the reading frame from glycine 23.
Molecular consequence: frameshift variant.
Genome position (GRCh38, 1-based): chr3:181,712,427-181,712,449, GGCAACTCCACCGCGGCGGCGGC deleted; deleting any 23 consecutive bases within chr3:181,712,418-181,712,449 gives the same sequence; the c. name uses the placement nearest the transcript's 3' end. VCF-style (leftmost placement, unchanged base first): chr3-181712417-GGGCGGCGGCGGCAACTCCACCGC-G. GRCh37 (hg19) VCF-style: chr3-181430205-GGGCGGCGGCGGCAACTCCACCGC-G.
Other names: c.67_89del (NM_003106.3); short protein forms G23fs.
Identifiers: ClinVar variation 3242251 (VCV003242251.3), dbSNP rs1560264167.

ClinVar aggregate classification (germline): Pathogenic. Review status: criteria provided, single submitter (1 of 4 stars). 2 submissions from 2 submitters: Pathogenic (1). 1 of the submissions does not count toward it. Last evaluated 2026-01-05.

Conditions:
Anophthalmia/microphthalmia-esophageal atresia syndrome (MCOPS3). Also called: MICROPHTHALMIA AND ESOPHAGEAL ATRESIA SYNDROME; AEG SYNDROME; SOX2 Disorder. Identifiers: Orphanet 77298, MedGen C1859773, MONDO:0008799, OMIM 206900.

Submissions (2):

GeneDx
Classification: Pathogenic. Last evaluated: 2026-01-05. Review status: criteria provided, single submitter. Criteria: GeneDx Variant Classification Process June 2021. Collection method: clinical testing. Allele origin: germline. Affected: yes.
Comment: Frameshift variant predicted to result in abnormal protein length as the last 295 amino acids are replaced with 64 different amino acids, and other similar variants have been reported in HGMD; Not observed at significant frequency in large population cohorts (gnomAD); This variant is associated with the following publications: (PMID: 15812812)

Dr.Nikuei Genetic Center
Classification: Pathogenic for Anophthalmia/microphthalmia-esophageal atresia syndrome. Review status: no assertion criteria provided. Collection method: clinical testing. Allele origin: germline. Affected: yes. Not counted in ClinVar's aggregate classification.